The following is an entry in ClinVar:

ClinVar aggregate classification (germline): Benign/Likely benign. Review status: criteria provided, multiple submitters, no conflicts (2 of 4 stars). 6 submissions from 6 submitters: Benign (3); Likely benign (3). Last evaluated 2026-01-02.

Conditions:
Pseudohypoaldosteronism type 2C (PHA2C). Also called: Pseudohypoaldosteronism Type IIC. Identifiers: Orphanet 757, Orphanet 88940, MedGen C1840391, MONDO:0013778, OMIM 614492.
Neuropathy, hereditary sensory and autonomic, type 2A (HSAN2A). Also called: MORVAN DISEASE; NEUROPATHY, CONGENITAL SENSORY; NEUROPATHY, HEREDITARY SENSORY RADICULAR, AUTOSOMAL RECESSIVE; NEUROPATHY, HEREDITARY SENSORY, TYPE IIA; NEUROPATHY, PROGRESSIVE SENSORY, OF CHILDREN; ACROOSTEOLYSIS, GIACCAI TYPE. Identifiers: Orphanet 970, MedGen C2752089, MONDO:0024309, OMIM 201300.
WNK1-related disorder. Also called: WNK1-related condition.

Allele frequency attached by ClinVar (database versions not stated): gnomAD 0.00025; 1000 Genomes Project 30x 0.00031; TOPMed 0.00034; 1000 Genomes Project 0.00040.
gnomAD v4.1: 153 of 1,614,132 alleles (0.0095%); highest among the groups gnomAD compares: East Asian, 0.32%; 1 homozygote.

Submissions (6):

Labcorp Genetics (formerly Invitae), Labcorp
Classification: Benign for Neuropathy, hereditary sensory and autonomic, type 2A; Pseudohypoaldosteronism type 2C. Last evaluated: 2026-01-02. Review status: criteria provided, single submitter. Criteria: Invitae Variant Classification Sherloc (09022015). Collection method: clinical testing. Allele origin: germline.

PreventionGenetics, part of Exact Sciences
Classification: Benign for WNK1-related condition. Last evaluated: 2025-06-20. Review status: criteria provided, single submitter. Criteria: ACMG Guidelines, 2015. Collection method: clinical testing. Allele origin: germline.
Comment: This variant is classified as benign based on ACMG/AMP sequence variant interpretation guidelines (Richards et al. 2015 PMID: 25741868, with internal and published modifications).

Mayo Clinic Laboratories, Mayo Clinic
Classification: Likely benign. Last evaluated: 2025-02-05. Review status: criteria provided, single submitter. Criteria: ACMG Guidelines, 2015. Collection method: clinical testing. Allele origin: germline. Observed: 1 variant allele.
Comment: BS1, BP4, BP7

CeGaT Center for Human Genetics Tuebingen
Classification: Likely benign. Last evaluated: 2024-02-01. Review status: criteria provided, single submitter. Criteria: CeGaT Center For Human Genetics Tuebingen Variant Classification Criteria Version 2. Collection method: clinical testing. Allele origin: germline. Affected: yes. Observed: 1 variant allele.
Comment: WNK1: BP4, BP7

Fulgent Genetics
Classification: Likely benign for Neuropathy, hereditary sensory and autonomic, type 2A; Pseudohypoaldosteronism type 2C. Last evaluated: 2021-11-05. Review status: criteria provided, single submitter. Criteria: ACMG Guidelines, 2015. Collection method: clinical testing. Allele origin: unknown.

Illumina Laboratory Services, Illumina
Classification: Benign for Pseudohypoaldosteronism type 2C. Last evaluated: 2018-01-13. Review status: criteria provided, single submitter. Criteria: ICSL Variant Classification Criteria 13 December 2019. Collection method: clinical testing. Allele origin: germline.
Comment: This variant was observed in the ICSL laboratory as part of a predisposition screen in an ostensibly healthy population. It had not been previously curated by ICSL or reported in the Human Gene Mutation Database (HGMD: prior to June 1st, 2018), and was therefore a candidate for classification through an automated scoring system. Utilizing variant allele frequency, disease prevalence and penetrance estimates, and inheritance mode, an automated score was calculated to assess if this variant is too frequent to cause the disease. Based on the score and internal cut-off values, a variant classified as benign is not then subjected to further curation. The score for this variant resulted in a classification of benign for this disease.

NM_018979.4(WNK1):c.5496G>A (p.Gln1832=)

Gene: WNK1 (WNK lysine deficient protein kinase 1; plus strand). Cytogenetic location: 12p13.33.
Variant type: single nucleotide variant.
Coding change: c.5496G>A on transcript NM_018979.4 (MANE Select); coding-DNA position 5496, G replaced by A.
Protein change: p.Gln1832=; no amino-acid change (glutamine 1832 retained).
Molecular consequence: synonymous variant.
Genome position (GRCh38, 1-based): chr12:890,500, G>A. VCF-style: chr12-890500-G-A. GRCh37 (hg19) VCF-style: chr12-999666-G-A.
Other names: p.Gln2084=; c.6276G>A, p.Gln2092= (NM_001184985.2); c.4755G>A, p.Gln1585= (NM_014823.3); c.6252G>A, p.Gln2084= (NM_213655.5).
Identifiers: ClinVar variation 310838 (VCV000310838.40), dbSNP rs138219481, ClinGen allele CA6383207.